The following is an entry in ClinVar:

ClinVar aggregate classification (germline): Uncertain significance (0 of 4 stars; one submission).

Conditions:
ATRX-related disorder. Also called: ATRX-related condition.

Submission:

PreventionGenetics, part of Exact Sciences
Classification: Uncertain significance for ATRX-related condition. Last evaluated: 2023-12-15. Review status: no assertion criteria provided. Collection method: clinical testing. Allele origin: germline.
Comment: The ATRX c.3992C>G variant is predicted to result in the amino acid substitution p.Ser1331Cys. To our knowledge, this variant has not been reported in the literature or in a large population database, indicating this variant is rare. At this time, the clinical significance of this variant is uncertain due to the absence of conclusive functional and genetic evidence.

NM_000489.6(ATRX):c.3992C>G (p.Ser1331Cys)

Gene: ATRX (ATRX chromatin remodeler; minus strand). Cytogenetic location: Xq21.1.
Variant type: single nucleotide variant.
Coding change: c.3992C>G on transcript NM_000489.6 (MANE Select); coding-DNA position 3992, C replaced by G.
Protein change: p.Ser1331Cys; replaces serine 1331 with cysteine.
Molecular consequence: missense variant.
Genome position (GRCh38, 1-based): chrX:77,663,510, G>C on the plus strand (C>G on the coding strand, the complement: ATRX is on the minus strand). VCF-style: chrX-77663510-G-C. GRCh37 (hg19) VCF-style: chrX-76918999-G-C.
Other names: c.3878C>G, p.Ser1293Cys (NM_138270.5); short protein forms S1293C, S1331C.
Identifiers: ClinVar variation 3043878 (VCV003043878.2), dbSNP rs2148489322, ClinGen allele CA413699688.